The following is an entry in ClinVar:

ClinVar aggregate classification (germline): Uncertain significance (1 of 4 stars; one submission).

Conditions:
DICER1-related tumor predisposition. Also called: DICER1-related pleuropulmonary blastoma cancer predisposition syndrome; DICER1 syndrome. Identifiers: Orphanet 284343, MedGen C3839822, MONDO:0100216.

Submission:

Helix
Classification: Uncertain significance for DICER1-related tumor predisposition. Last evaluated: 2026-06-25. Review status: criteria provided, single submitter. Criteria: ACMG Guidelines, 2015. Collection method: clinical testing. Allele origin: germline. Inheritance: Autosomal dominant inheritance.
Comment: This variant (NM_177438.3:c.3181C>T p.Leu1061Phe) results in the substitution of leucine with phenylalanine at codon 1061 in the DICER1 protein. It is a rare variant that is absent from the large gnomAD population database (v4.1). To our knowledge, this variant has not been reported in individuals with DICER1-related conditions in the published literature. In silico prediction from REVEL (PMID: 27666373) suggests that this variant may be benign. In conclusion, since the available evidence is limited, the clinical significance of this variant is unclear at this time. Therefore, it is classified as a Variant of Uncertain Significance.

NM_177438.3(DICER1):c.3181C>T (p.Leu1061Phe)

Gene: DICER1 (dicer 1, ribonuclease III; minus strand). Cytogenetic location: 14q32.13.
Variant type: single nucleotide variant.
Coding change: c.3181C>T on transcript NM_177438.3 (MANE Select); coding-DNA position 3181, C replaced by T.
Protein change: p.Leu1061Phe; replaces leucine 1061 with phenylalanine.
Molecular consequence: missense variant. On other transcripts: non-coding transcript variant (6).
Genome position (GRCh38, 1-based): chr14:95,105,159, G>A on the plus strand (C>T on the coding strand, the complement: DICER1 is on the minus strand). VCF-style: chr14-95105159-G-A. GRCh37 (hg19) VCF-style: chr14-95571496-G-A.
Other names: c.3181C>T, p.Leu1061Phe (NM_001195573.1, NM_001271282.3, NM_001291628.2 and 12 more transcripts); c.2899C>T, p.Leu967Phe (NM_001395686.1); c.2776C>T, p.Leu926Phe (NM_001395687.1, NM_001395688.1, NM_001395689.1 and 2 more transcripts); c.2614C>T, p.Leu872Phe (NM_001395691.1); c.1498C>T, p.Leu500Phe (NM_001395697.1); short protein forms L1061F, L500F, L872F, L926F, L967F.
Identifiers: ClinVar variation 4890821 (VCV004890821.1).
Genomic context (GRCh38, chr14:95,105,159, plus strand): 5'-CCACGCCAGCATCGCTGGCAGTCTGGGCTCTTAGCTCCTCTGCAGTCAAAAGGCAGTGAA[G>A]GCGATAAAGTATGCTGGGGAGACAAACAGCTTTTCTCCACAGTGATGCTGGAATTGGATG-3'
Protein context (NP_803187.1, residues 1051-1071): AVCLPSILYR[Leu1061Phe]HCLLTAEELR